The following is an entry in ClinVar:

NM_016333.4(SRRM2):c.1618C>T (p.Pro540Ser)

Gene: SRRM2 (serine/arginine repetitive matrix 2; plus strand). Cytogenetic location: 16p13.3.
Variant type: single nucleotide variant.
Coding change: c.1618C>T on transcript NM_016333.4 (MANE Select); coding-DNA position 1618, C replaced by T.
Protein change: p.Pro540Ser; replaces proline 540 with serine.
Molecular consequence: missense variant.
Genome position (GRCh38, 1-based): chr16:2,762,146, C>T. VCF-style: chr16-2762146-C-T. GRCh37 (hg19) VCF-style: chr16-2812147-C-T.
Other names: short protein forms P540S.
Identifiers: ClinVar variation 4076220 (VCV004076220.1).
Genomic context (GRCh38, chr16:2,762,146, plus strand): 5'-CAGAGGTGGGGAAGATCTAGAAGCCCCCAGCGACGTGGCCGCTCTAGGTCTCCTCAGCGA[C>T]CAGGCTGGTCTAGGAGCAGAAATACCCAGAGAAGAGGCAGGTCTAGGTCAGCAAGGCGAG-3'
Protein context (NP_057417.3, residues 530-550): RRGRSRSPQR[Pro540Ser]GWSRSRNTQR

ClinVar aggregate classification (germline): Uncertain significance (1 of 4 stars; one submission).

Conditions:
Intellectual developmental disorder, autosomal dominant 72 (MRD72). Identifiers: Orphanet 652487, MedGen C5830612, MONDO:0957397, OMIM 620439.

Submission:

Laboratorio de Genetica e Diagnostico Molecular, Hospital Israelita Albert Einstein
Classification: Uncertain significance for Intellectual developmental disorder, autosomal dominant 72. Last evaluated: 2024-08-27. Review status: criteria provided, single submitter. Criteria: ACMG Guidelines, 2015. Collection method: clinical testing. Allele origin: germline. Affected: yes.
Comment: ACMG classification criteria: PM2 supporting, BP4 supporting